The following is an entry in ClinVar:

ClinVar aggregate classification (germline): Uncertain significance. Review status: criteria provided, multiple submitters, no conflicts (2 of 4 stars). 3 submissions from 3 submitters: Uncertain significance (3). Last evaluated 2025-04-13.

Conditions:
Familial adenomatous polyposis 1 (FAP1). Also called: POLYPOSIS, ADENOMATOUS INTESTINAL; FAMILIAL ADENOMATOUS POLYPOSIS 1, ATTENUATED. Identifiers: MedGen C2713442, MONDO:0021056, OMIM 175100. Disease mechanism: loss of function.
Hereditary cancer-predisposing syndrome. Also called: Neoplastic Syndromes, Hereditary; Hereditary Cancer Syndrome; Tumor predisposition; Hereditary neoplastic syndrome. Identifiers: Orphanet 140162, MedGen C0027672, MeSH D009386, MONDO:0015356.

Submissions (3):

Labcorp Genetics (formerly Invitae), Labcorp
Classification: Uncertain significance for Familial adenomatous polyposis 1. Last evaluated: 2025-04-13. Review status: criteria provided, single submitter. Criteria: Invitae Variant Classification Sherloc (09022015). Collection method: clinical testing. Allele origin: germline.
Comment: This sequence change replaces glutamine, which is neutral and polar, with proline, which is neutral and non-polar, at codon 2291 of the APC protein (p.Gln2291Pro). This variant is not present in population databases (gnomAD no frequency). This variant has not been reported in the literature in individuals affected with APC-related conditions. ClinVar contains an entry for this variant (Variation ID: 573516). Invitae Evidence Modeling of protein sequence and biophysical properties (such as structural, functional, and spatial information, amino acid conservation, physicochemical variation, residue mobility, and thermodynamic stability) indicates that this missense variant is not expected to disrupt APC protein function with a negative predictive value of 95%. In summary, the available evidence is currently insufficient to determine the role of this variant in disease. Therefore, it has been classified as a Variant of Uncertain Significance.

Ambry Genetics
Classification: Uncertain significance for Hereditary cancer-predisposing syndrome. Last evaluated: 2024-12-09. Review status: criteria provided, single submitter. Criteria: Ambry Variant Classification Scheme 2023. Collection method: clinical testing. Allele origin: germline.
Comment: The p.Q2291P variant (also known as c.6872A>C), located in coding exon 15 of the APC gene, results from an A to C substitution at nucleotide position 6872. The glutamine at codon 2291 is replaced by proline, an amino acid with similar properties. This amino acid position is conserved. In addition, in silico predictors for this gene do not accurately predict pathogenicity. Based on the available evidence, the clinical significance of this variant remains unclear.

Quest Diagnostics Nichols Institute San Juan Capistrano
Classification: Uncertain significance. Last evaluated: 2024-03-08. Review status: criteria provided, single submitter. Criteria: Quest Diagnostics criteria. Collection method: clinical testing. Allele origin: unknown.
Comment: The APC c.6872A>C (p.Gln2291Pro) variant has not been reported in individuals with APC-related conditions in the published literature. It also has not been reported in large, multi-ethnic general populations (Genome Aggregation Database). Analysis of this variant using bioinformatics tools for the prediction of the effect of amino acid changes on protein structure and function yielded predictions that this variant is benign. Based on the available information, we are unable to determine the clinical significance of this variant.

NM_000038.6(APC):c.6872A>C (p.Gln2291Pro)

Gene: APC (APC regulator of Wnt signaling pathway; plus strand). Cytogenetic location: 5q22.2.
Variant type: single nucleotide variant.
Coding change: c.6872A>C on transcript NM_000038.6 (MANE Select); coding-DNA position 6872, A replaced by C.
Protein change: p.Gln2291Pro; replaces glutamine 2291 with proline.
Molecular consequence: missense variant.
Genome position (GRCh38, 1-based): chr5:112,842,466, A>C. VCF-style: chr5-112842466-A-C. GRCh37 (hg19) VCF-style: chr5-112178163-A-C.
Other names: c.6872A>C, p.Gln2291Pro (NM_001127510.3, NM_001354895.2); c.6818A>C, p.Gln2273Pro (NM_001127511.3); c.6926A>C, p.Gln2309Pro (NM_001354896.2); c.6902A>C, p.Gln2301Pro (NM_001354897.2); c.6797A>C, p.Gln2266Pro (NM_001354898.2); c.6788A>C, p.Gln2263Pro (NM_001354899.2); c.6749A>C, p.Gln2250Pro (NM_001354900.2); c.6695A>C, p.Gln2232Pro (NM_001354901.2); and 5 more; short protein forms Q2273P, Q2291P, Q2200P, Q2232P, Q2263P, Q2266P, Q2008P, Q2165P.
Identifiers: ClinVar variation 573516 (VCV000573516.12), dbSNP rs1554087813, ClinGen allele CA16036329.